The following is an entry in ClinVar:

ClinVar aggregate classification (germline): Conflicting classifications of pathogenicity. Review status: criteria provided, conflicting classifications (1 of 4 stars). 5 submissions from 5 submitters: Uncertain significance (1); Benign (2); Likely benign (2). Last evaluated 2025-11-27.

Allele frequency attached by ClinVar (database versions not stated): gnomAD exomes 0.00019 and 0.00052; ExAC 0.00031; 1000 Genomes Project 30x 0.00172; 1000 Genomes Project 0.00180; gnomAD 0.00198 and 0.00211; TOPMed 0.00225.
gnomAD v4.1: 574 of 1,550,382 alleles (0.037%); highest among the groups gnomAD compares: African/African-American, 0.68%; 2 homozygotes.

Submissions (5):

Labcorp Genetics (formerly Invitae), Labcorp
Classification: Benign. Last evaluated: 2025-11-27. Review status: criteria provided, single submitter. Criteria: Invitae Variant Classification Sherloc (09022015). Collection method: clinical testing. Allele origin: germline.

Blueprint Genetics
Classification: Likely benign. Last evaluated: 2024-11-27. Review status: criteria provided, single submitter. Criteria: ACMG Guidelines, 2015. Collection method: clinical testing. Allele origin: germline.

GeneDx
Classification: Likely benign. Last evaluated: 2020-06-09. Review status: criteria provided, single submitter. Criteria: GeneDx Variant Classification Process June 2021. Collection method: clinical testing. Allele origin: germline. Affected: yes.

Laboratory for Molecular Medicine, Mass General Brigham Personalized Medicine
Classification: Benign. Last evaluated: 2018-02-22. Review status: criteria provided, single submitter. Criteria: LMM Criteria. Collection method: clinical testing. Allele origin: germline. Observed: 2 variant alleles.
Comment: p.Arg2310His in exon 40 of OTOG: This variant is not expected to have clinical s ignificance because it has been identified in 0.75% (114/15242) of African chrom osomes, including one homozygote, by the Genome Aggregation Database (gnomAD; dbSNP rs142799217). ACMG/AMP Criteria applied: BA1.

Eurofins Ntd Llc (ga)
Classification: Uncertain significance. Last evaluated: 2017-01-18. Review status: criteria provided, single submitter. Criteria: EGL Classification Definitions 2015. Collection method: clinical testing. Allele origin: germline. Observed: 1 variant allele, 1 heterozygote.

NM_001292063.2(OTOG):c.6893G>A (p.Arg2298His)

Gene: OTOG (otogelin; plus strand). Cytogenetic location: 11p15.1.
Variant type: single nucleotide variant.
Coding change: c.6893G>A on transcript NM_001292063.2 (MANE Select); coding-DNA position 6893, G replaced by A.
Protein change: p.Arg2298His; replaces arginine 2298 with histidine.
Molecular consequence: missense variant.
Genome position (GRCh38, 1-based): chr11:17,631,882, G>A. VCF-style: chr11-17631882-G-A. GRCh37 (hg19) VCF-style: chr11-17653429-G-A.
Other names: c.6929G>A, p.Arg2310His (NM_001277269.2); short protein forms R2310H, R2298H.
Identifiers: ClinVar variation 229098 (VCV000229098.19), dbSNP rs142799217, ClinGen allele CA5906074.